The following is an entry in ClinVar:

ClinVar aggregate classification (germline): Uncertain significance (1 of 4 stars; one submission).

Conditions:
Deficiency of alpha-mannosidase (MANSA). Also called: Alpha-Mannosidosis; Mannosidosis, alpha-, types I and II; LYSOSOMAL ALPHA-D-MANNOSIDASE DEFICIENCY. Identifiers: Orphanet 61, MedGen C0024748, MONDO:0009561, OMIM 248500.

Allele frequency attached by ClinVar (database versions not stated): gnomAD exomes below 0.00001.
gnomAD v4.1: 3 of 1,614,044 alleles (0.00019%); highest among the groups gnomAD compares: African/African-American, 0.004%; no homozygotes.

Submission:

Labcorp Genetics (formerly Invitae), Labcorp
Classification: Uncertain significance for Deficiency of alpha-mannosidase. Last evaluated: 2022-08-20. Review status: criteria provided, single submitter. Criteria: Invitae Variant Classification Sherloc (09022015). Collection method: clinical testing. Allele origin: germline.
Comment: This variant is not present in population databases (gnomAD no frequency). This sequence change replaces glycine, which is neutral and non-polar, with aspartic acid, which is acidic and polar, at codon 76 of the MAN2B1 protein (p.Gly76Asp). This variant has not been reported in the literature in individuals affected with MAN2B1-related conditions. Algorithms developed to predict the effect of missense changes on protein structure and function (SIFT, PolyPhen-2, Align-GVGD) all suggest that this variant is likely to be disruptive. In summary, the available evidence is currently insufficient to determine the role of this variant in disease. Therefore, it has been classified as a Variant of Uncertain Significance.

NM_000528.4(MAN2B1):c.227G>A (p.Gly76Asp)

Gene: MAN2B1 (mannosidase alpha class 2B member 1; minus strand). Cytogenetic location: 19p13.13.
Variant type: single nucleotide variant.
Coding change: c.227G>A on transcript NM_000528.4 (MANE Select); coding-DNA position 227, G replaced by A.
Protein change: p.Gly76Asp; replaces glycine 76 with aspartic acid.
Molecular consequence: missense variant.
Genome position (GRCh38, 1-based): chr19:12,665,738, C>T on the plus strand (G>A on the coding strand, the complement: MAN2B1 is on the minus strand). VCF-style: chr19-12665738-C-T. GRCh37 (hg19) VCF-style: chr19-12776552-C-T.
Other names: c.227G>A, p.Gly76Asp (NM_001173498.2); short protein forms G76D.
Identifiers: ClinVar variation 1717060 (VCV001717060.5), dbSNP rs2024218349, ClinGen allele CA404258111.
Genomic context (GRCh38, chr19:12,665,738, plus strand): 5'-GGACCAGTCCCCATCCTCTACTCACTTCCATAAAAGTACTGGTCCACGGTTTTGAGCCAG[C>T]CCACGTCATCATGTGTGTGAGGCAGCAGGTGCACGTTCAGCATGTTCGGCTGCACTGTGG-3'
Protein context (NP_000519.2, residues 66-86): HLLPHTHDDV[Gly76Asp]WLKTVDQYFY